The following is an entry in ClinVar:

ClinVar aggregate classification (germline): Uncertain significance. Review status: criteria provided, single submitter (1 of 4 stars). 2 submissions from 2 submitters: Uncertain significance (1). 1 of the submissions does not count toward it. Last evaluated 2022-03-27.

Conditions:
Hereditary breast ovarian cancer syndrome. Also called: Breast and ovarian cancer; Hereditary breast and/or ovarian cancer syndrome; Hereditary breast and ovarian cancer; Hereditary breast and ovarian cancer syndrome; Hereditary breast and ovarian cancer syndrome (HBOC); BRCA1- and BRCA2-Associated Hereditary Breast and Ovarian Cancer. Identifiers: Orphanet 145, MedGen C0677776, MeSH D061325, MONDO:0003582. Disease mechanism: loss of function.
Breast-ovarian cancer, familial, susceptibility to, 2 (BROVCA2). Also called: BRCA2 Hereditary Breast and Ovarian Cancer. Identifiers: Orphanet 145, MedGen C2675520, MONDO:0012933, OMIM 612555. Disease mechanism: loss of function.

Allele frequency attached by ClinVar (database versions not stated): gnomAD exomes below 0.00001.
gnomAD v4.1: 2 of 1,569,726 alleles (0.00013%); highest among the groups gnomAD compares: Non-Finnish European, 0.00017%; no homozygotes.

Submissions (2):

Labcorp Genetics (formerly Invitae), Labcorp
Classification: Uncertain significance for Hereditary breast ovarian cancer syndrome. Last evaluated: 2022-03-27. Review status: criteria provided, single submitter. Criteria: Invitae Variant Classification Sherloc (09022015). Collection method: clinical testing. Allele origin: germline.
Comment: This sequence change replaces isoleucine, which is neutral and non-polar, with valine, which is neutral and non-polar, at codon 1309 of the BRCA2 protein (p.Ile1309Val). This variant is not present in population databases (gnomAD no frequency). This variant has not been reported in the literature in individuals affected with BRCA2-related conditions. ClinVar contains an entry for this variant (Variation ID: 96800). Advanced modeling of protein sequence and biophysical properties (such as structural, functional, and spatial information, amino acid conservation, physicochemical variation, residue mobility, and thermodynamic stability) performed at Invitae indicates that this missense variant is not expected to disrupt BRCA2 protein function. In summary, the available evidence is currently insufficient to determine the role of this variant in disease. Therefore, it has been classified as a Variant of Uncertain Significance.

Sharing Clinical Reports Project (SCRP)
Classification: Uncertain significance for Breast-ovarian cancer, familial 2. Last evaluated: 2012-05-01. Review status: no assertion criteria provided. Collection method: clinical testing. Allele origin: germline. Not counted in ClinVar's aggregate classification.

NC_000013.11:g.32338280A>G

Gene: BRCA2 (BRCA2 DNA repair associated; plus strand). Cytogenetic location: 13q13.1.
Variant type: single nucleotide variant.
Genome position: GRCh38 VCF-style: chr13-32338280-A-G. GRCh37 (hg19) VCF-style: chr13-32912417-A-G.
Other names: I1309V; 4153A>G; c.3925A>G, p.Ile1309Val (LRG_293t1).
Identifiers: ClinVar variation 96800 (VCV000096800.4), dbSNP rs431825314, ClinGen allele CA019203.